The following is an entry in ClinVar:

ClinVar aggregate classification (germline): Benign/Likely benign. Review status: criteria provided, multiple submitters, no conflicts (2 of 4 stars). 3 submissions from 3 submitters: Benign (1); Likely benign (2). Last evaluated 2024-04-11.

Conditions:
Familial adenomatous polyposis 1 (FAP1). Also called: FAMILIAL ADENOMATOUS POLYPOSIS 1, ATTENUATED; POLYPOSIS, ADENOMATOUS INTESTINAL. Identifiers: MedGen C2713442, MONDO:0021056, OMIM 175100. Disease mechanism: loss of function.
Hereditary cancer-predisposing syndrome. Also called: Tumor predisposition; Neoplastic Syndromes, Hereditary; Hereditary neoplastic syndrome; Hereditary Cancer Syndrome. Identifiers: Orphanet 140162, MedGen C0027672, MeSH D009386, MONDO:0015356.

Allele frequency attached by ClinVar (database versions not stated): TOPMed 0.00001.
gnomAD v4.1: 2 of 1,613,738 alleles (0.00012%); highest among the groups gnomAD compares: African/African-American, 0.0013%; no homozygotes.

Submissions (3):

Myriad Genetics, Inc.
Classification: Benign for Familial adenomatous polyposis 1. Last evaluated: 2024-04-11. Review status: criteria provided, single submitter. Criteria: Myriad Autosomal Dominant, Autosomal Recessive and X-Linked Classification Criteria (2023). Collection method: clinical testing. Allele origin: unknown.
Comment: This variant is considered benign. This variant is a silent/synonymous amino acid change and it is not expected to impact splicing.

Labcorp Genetics (formerly Invitae), Labcorp
Classification: Likely benign for Familial adenomatous polyposis 1. Last evaluated: 2023-12-23. Review status: criteria provided, single submitter. Criteria: Invitae Variant Classification Sherloc (09022015). Collection method: clinical testing. Allele origin: germline.

Ambry Genetics
Classification: Likely benign for Hereditary cancer-predisposing syndrome. Last evaluated: 2020-02-14. Review status: criteria provided, single submitter. Criteria: Ambry Variant Classification Scheme 2023. Collection method: clinical testing. Allele origin: germline.

NM_000038.6(APC):c.7929A>C (p.Leu2643=)

Gene: APC (APC regulator of Wnt signaling pathway; plus strand). Cytogenetic location: 5q22.2.
Variant type: single nucleotide variant.
Coding change: c.7929A>C on transcript NM_000038.6 (MANE Select); coding-DNA position 7929, A replaced by C.
Protein change: p.Leu2643=; no amino-acid change (leucine 2643 retained).
Molecular consequence: synonymous variant.
Genome position (GRCh38, 1-based): chr5:112,843,523, A>C. VCF-style: chr5-112843523-A-C. GRCh37 (hg19) VCF-style: chr5-112179220-A-C.
Other names: c.7929A>C, p.Leu2643= (NM_001127510.3, NM_001354895.2); c.7875A>C, p.Leu2625= (NM_001127511.3); c.7983A>C, p.Leu2661= (NM_001354896.2); c.7959A>C, p.Leu2653= (NM_001354897.2); c.7854A>C, p.Leu2618= (NM_001354898.2); c.7845A>C, p.Leu2615= (NM_001354899.2); c.7806A>C, p.Leu2602= (NM_001354900.2); c.7752A>C, p.Leu2584= (NM_001354901.2); and 5 more.
Identifiers: ClinVar variation 416728 (VCV000416728.15), dbSNP rs138796072, ClinGen allele CA16611748.